The following is an entry in ClinVar:

NM_021098.3(CACNA1H):c.1783_1788del (p.Ala595_Ala596del)

Gene: CACNA1H (calcium voltage-gated channel subunit alpha1 H; plus strand). Cytogenetic location: 16p13.3.
Variant type: Deletion.
Coding change: c.1783_1788del on transcript NM_021098.3 (MANE Select); coding-DNA positions 1783 to 1788, 6 bases deleted (GCAGCC; older notation c.1783_1788delGCAGCC).
Protein change: p.Ala595_Ala596del.
Molecular consequence: inframe deletion.
Genome position (GRCh38, 1-based): chr16:1,202,233-1,202,238, GCAGCC deleted; deleting any 6 consecutive bases within chr16:1,202,230-1,202,238 gives the same sequence; the c. name uses the placement nearest the transcript's 3' end. VCF-style (leftmost placement, unchanged base first): chr16-1202229-TGCCGCA-T. GRCh37 (hg19) VCF-style: chr16-1252229-TGCCGCA-T.
Other names: c.1783_1788del, p.Ala595_Ala596del (NM_001005407.2).
Identifiers: ClinVar variation 1214606 (VCV001214606.4), dbSNP rs762960317, ClinGen allele CA7800004.

ClinVar aggregate classification (germline): Uncertain significance. Review status: criteria provided, multiple submitters, no conflicts (2 of 4 stars). 2 submissions from 2 submitters: Uncertain significance (2). Last evaluated 2022-01-11.

Conditions:
Hyperaldosteronism, familial, type IV (HALD4). Also called: ALDOSTERONISM, PRIMARY, AND HYPERTENSION; FH IV. Identifiers: Orphanet 642671, MedGen C4310756, MONDO:0014875, OMIM 617027.
Epilepsy, childhood absence, susceptibility to, 6. Identifiers: Orphanet 64280, MedGen C2749872, MONDO:0012763, OMIM 611942.

Submissions (2):

Fulgent Genetics
Classification: Uncertain significance for Epilepsy, childhood absence, susceptibility to, 6; Hyperaldosteronism, familial, type IV. Last evaluated: 2022-01-11. Review status: criteria provided, single submitter. Criteria: ACMG Guidelines, 2015. Collection method: clinical testing. Allele origin: unknown.

GeneDx
Classification: Uncertain significance. Last evaluated: 2020-10-13. Review status: criteria provided, single submitter. Criteria: GeneDx Variant Classification Process June 2021. Collection method: clinical testing. Allele origin: germline. Affected: yes.
Comment: In-frame deletion of 2 amino acids in a non-repeat region; In silico analysis, which includes protein predictors and evolutionary conservation, supports that this variant does not alter protein structure/function; Has not been previously published as pathogenic or benign to our knowledge